The following is an entry in ClinVar:

ClinVar aggregate classification (germline): Uncertain significance (1 of 4 stars; one submission).

Submission:

GeneDx
Classification: Uncertain significance. Last evaluated: 2026-03-10. Review status: criteria provided, single submitter. Criteria: GeneDx Variant Classification Process June 2021. Collection method: clinical testing. Allele origin: germline.
Comment: Not observed at significant frequency in large population cohorts (gnomAD); In-frame deletion of 5 amino acid(s) in a non-repeat region; In silico analysis supports a deleterious effect on protein structure/function; Has not been previously published as pathogenic or benign to our knowledge

NM_001379200.1(TBX1):c.1194_1208del (p.Gly399_Ser403del)

Gene: TBX1 (T-box transcription factor 1; plus strand). Cytogenetic location: 22q11.21.
Variant type: Deletion.
Coding change: c.1194_1208del on transcript NM_001379200.1 (MANE Select); coding-DNA positions 1194 to 1208, 15 bases deleted (CGGAGGCCGGCCCAG).
Protein change: p.Gly399_Ser403del.
Molecular consequence: inframe deletion. On other transcripts: intron variant (2).
Genome position (GRCh38, 1-based): chr22:19,766,546-19,766,560, CGGAGGCCGGCCCAG deleted. VCF-style (leftmost placement, unchanged base first): chr22-19766545-CCGGAGGCCGGCCCAG-C. GRCh37 (hg19) VCF-style: chr22-19754068-CCGGAGGCCGGCCCAG-C.
Other names: c.1167_1181del, p.Gly390_Ser394del (NM_080647.1); c.1009+544_1009+558del (NM_005992.1, NM_080646.2).
Identifiers: ClinVar variation 5008733 (VCV005008733.1).